The following is an entry in ClinVar:

ClinVar aggregate classification (germline): Uncertain significance. Review status: criteria provided, multiple submitters, no conflicts (2 of 4 stars). 2 submissions from 2 submitters: Uncertain significance (2). Last evaluated 2025-11-08.

Conditions:
Inborn genetic diseases. Identifiers: MedGen C0950123, MeSH D030342.

gnomAD v4.1: 10 of 1,614,078 alleles (0.00062%); highest among the groups gnomAD compares: African/African-American, 0.013%; no homozygotes.

Submissions (2):

Labcorp Genetics (formerly Invitae), Labcorp
Classification: Uncertain significance. Last evaluated: 2025-11-08. Review status: criteria provided, single submitter. Criteria: Invitae Variant Classification Sherloc (09022015). Collection method: clinical testing. Allele origin: germline.
Comment: This sequence change replaces proline, which is neutral and non-polar, with arginine, which is basic and polar, at codon 681 of the ARHGAP31 protein (p.Pro681Arg). This variant is present in population databases (rs752378405, gnomAD 0.007%). This variant has not been reported in the literature in individuals affected with ARHGAP31-related conditions. ClinVar contains an entry for this variant (Variation ID: 3422998). An algorithm developed to predict the effect of missense changes on protein structure and function (PolyPhen-2) suggests that this variant is likely to be disruptive. In summary, the available evidence is currently insufficient to determine the role of this variant in disease. Therefore, it has been classified as a Variant of Uncertain Significance.

Ambry Genetics
Classification: Uncertain significance for Inborn genetic diseases. Last evaluated: 2024-07-07. Review status: criteria provided, single submitter. Criteria: Ambry Variant Classification Scheme 2023. Collection method: clinical testing. Allele origin: germline.

NM_020754.4(ARHGAP31):c.2042C>G (p.Pro681Arg)

Gene: ARHGAP31 (Rho GTPase activating protein 31; plus strand). Cytogenetic location: 3q13.33.
Variant type: single nucleotide variant.
Coding change: c.2042C>G on transcript NM_020754.4 (MANE Select); coding-DNA position 2042, C replaced by G.
Protein change: p.Pro681Arg; replaces proline 681 with arginine.
Molecular consequence: missense variant.
Genome position (GRCh38, 1-based): chr3:119,413,971, C>G. VCF-style: chr3-119413971-C-G. GRCh37 (hg19) VCF-style: chr3-119132818-C-G.
Other names: short protein forms P681R.
Identifiers: ClinVar variation 3422998 (VCV003422998.2).